The following is an entry in ClinVar:

Single allele

Genes: ART1 (ADP-ribosyltransferase 1; plus strand), CHRNA10 (cholinergic receptor nicotinic alpha 10 subunit; minus strand), NUP98 (nucleoporin 98 and 96 precursor; minus strand), PGAP2 (post-GPI attachment to proteins 2; plus strand), RHOG (ras homolog family member G; minus strand). Cytogenetic location: 11p15.4.
Variant type: Duplication.
Identifiers: ClinVar variation 560089 (VCV000560089.3).

ClinVar aggregate classification (germline): Uncertain significance (1 of 4 stars; one submission).

Submission:

Geisinger Autism and Developmental Medicine Institute, Geisinger Health System
Classification: Uncertain significance. Last evaluated: 2018-04-11. Review status: criteria provided, single submitter. Criteria: ACMG CNV Guidelines, 2011. Collection method: provider interpretation. Allele origin: paternal.